The following is an entry in ClinVar:

ClinVar aggregate classification (germline): Conflicting classifications of pathogenicity. Review status: criteria provided, conflicting classifications (1 of 4 stars). 2 submissions from 2 submitters: Uncertain significance (1); Likely benign (1). Last evaluated 2023-08-21.

Conditions:
Inborn genetic diseases. Identifiers: MedGen C0950123, MeSH D030342.

Allele frequency attached by ClinVar (database versions not stated): ExAC 0.00002; gnomAD exomes 0.00003 and 0.00005; TOPMed 0.00005 and 0.00006; gnomAD 0.00006.
gnomAD v4.1: 76 of 1,614,058 alleles (0.0047%); highest among the groups gnomAD compares: Non-Finnish European, 0.0062%; no homozygotes.

Submissions (2):

Ambry Genetics
Classification: Likely benign for Inborn genetic diseases. Last evaluated: 2023-08-21. Review status: criteria provided, single submitter. Criteria: Ambry Variant Classification Scheme 2023. Collection method: clinical testing. Allele origin: germline.

Labcorp Genetics (formerly Invitae), Labcorp
Classification: Uncertain significance. Last evaluated: 2023-01-21. Review status: criteria provided, single submitter. Criteria: Invitae Variant Classification Sherloc (09022015). Collection method: clinical testing. Allele origin: germline.
Comment: In summary, the available evidence is currently insufficient to determine the role of this variant in disease. Therefore, it has been classified as a Variant of Uncertain Significance. Algorithms developed to predict the effect of missense changes on protein structure and function are either unavailable or do not agree on the potential impact of this missense change (SIFT: "Tolerated"; PolyPhen-2: "Possibly Damaging"; Align-GVGD: "Class C0"). This variant has not been reported in the literature in individuals affected with ARHGAP31-related conditions. This variant is present in population databases (rs773314411, gnomAD 0.007%). This sequence change replaces leucine, which is neutral and non-polar, with histidine, which is basic and polar, at codon 283 of the ARHGAP31 protein (p.Leu283His).

NM_020754.4(ARHGAP31):c.848T>A (p.Leu283His)

Gene: ARHGAP31 (Rho GTPase activating protein 31; plus strand). Cytogenetic location: 3q13.33.
Variant type: single nucleotide variant.
Coding change: c.848T>A on transcript NM_020754.4 (MANE Select); coding-DNA position 848, T replaced by A.
Protein change: p.Leu283His; replaces leucine 283 with histidine.
Molecular consequence: missense variant.
Genome position (GRCh38, 1-based): chr3:119,390,950, T>A. VCF-style: chr3-119390950-T-A. GRCh37 (hg19) VCF-style: chr3-119109797-T-A.
Other names: short protein forms L283H.
Identifiers: ClinVar variation 2085106 (VCV002085106.6), dbSNP rs773314411, ClinGen allele CA2553708.
Genomic context (GRCh38, chr3:119,390,950, plus strand): 5'-CTGCTCGCAAGGAAAGGAGGGAGAACAGCCTGCCTGAGATTGTCCCTCCCATGGGCACCC[T>A]CTTCCACACTGTCCTTGAGTTACCAGACAACAAGTAAGTGGCACTCTTTTAAAAAATTCT-3'
Protein context (NP_065805.2, residues 273-293): LPEIVPPMGT[Leu283His]FHTVLELPDN